The following is an entry in ClinVar:

ClinVar aggregate classification (germline): Pathogenic (1 of 4 stars; one submission).

Conditions:
Intellectual developmental disorder 61. Also called: MENTAL RETARDATION, AUTOSOMAL DOMINANT 61; INTELLECTUAL DEVELOPMENTAL DISORDER, AUTOSOMAL DOMINANT 61. Identifiers: MedGen C5231400, MONDO:0032485, OMIM 618009.

Submission:

Victorian Clinical Genetics Services, Murdoch Childrens Research Institute
Classification: Pathogenic for Intellectual developmental disorder 61. Last evaluated: 2022-02-02. Review status: criteria provided, single submitter. Criteria: ACMG Guidelines, 2015. Collection method: clinical testing. Allele origin: germline. Inheritance: Autosomal dominant inheritance. Affected: yes.
Comment: Based on the classification scheme VCGS_Germline_v1.3.4, this variant is classified as Pathogenic. Following criteria are met: 0102 - Loss of function is a known mechanism of disease in this gene and is associated with intellectual developmental disorder 61 (MIM#618009). (I) 0107 - This gene is associated with autosomal dominant disease. (I) 0115 - Variants in this gene are known to have variable expressivity (PMID: 29740699). (I) 0201 - Variant is predicted to cause nonsense-mediated decay (NMD) and loss of protein (premature termination codon is located at least 54 nucleotides upstream of the final exon-exon junction). (SP) 0251 - This variant is heterozygous. (I) 0301 - Variant is absent from gnomAD (both v2 and v3). (SP) 0701 - Many NMD predicted variants comparable to the one identified in this case have very strong previous evidence for pathogenicity (ClinVar). (SP) 0807 - This variant has no previous evidence of pathogenicity. (I) 0905 - No published segregation evidence has been identified for this variant. (I) 1007 - No published functional evidence has been identified for this variant. (I) Legend: (SP) - Supporting pathogenic, (I) - Information, (SB) - Supporting benign

Literature cited by the submitters: PubMed 29740699.

NM_005121.3(MED13):c.712C>T (p.Gln238Ter)

Gene: MED13 (mediator complex subunit 13; minus strand). Cytogenetic location: 17q23.2.
Variant type: single nucleotide variant.
Coding change: c.712C>T on transcript NM_005121.3 (MANE Select); coding-DNA position 712, C replaced by T.
Protein change: p.Gln238Ter; replaces glutamine 238 with a stop codon.
Molecular consequence: nonsense.
Genome position (GRCh38, 1-based): chr17:62,033,889, G>A on the plus strand (C>T on the coding strand, the complement: MED13 is on the minus strand). VCF-style: chr17-62033889-G-A. GRCh37 (hg19) VCF-style: chr17-60111250-G-A.
Other names: short protein forms Q238*.
Identifiers: ClinVar variation 1699136 (VCV001699136.3), dbSNP rs2143687619, ClinGen allele CA400786204.
Genomic context (GRCh38, chr17:62,033,889, plus strand): 5'-CCATATCTTCCTGTTTTTCTTCAGACATCTCCTTCAAGCAACATGAGATAGGATAGAACT[G>A]TTTCCATTCACCAATTAATTTTTTTGTAGCTGAATCAGACATCTTGAATGCCTGTCCTGT-3'